The following is an entry in ClinVar:

NM_000064.4(C3):c.4520G>A (p.Arg1507His)

Gene: C3 (complement C3; minus strand). Cytogenetic location: 19p13.3.
Variant type: single nucleotide variant.
Coding change: c.4520G>A on transcript NM_000064.4 (MANE Select); coding-DNA position 4520, G replaced by A.
Protein change: p.Arg1507His; replaces arginine 1507 with histidine.
Molecular consequence: missense variant.
Genome position (GRCh38, 1-based): chr19:6,679,433, C>T on the plus strand (G>A on the coding strand, the complement: C3 is on the minus strand). VCF-style: chr19-6679433-C-T. GRCh37 (hg19) VCF-style: chr19-6679444-C-T.
Other names: short protein forms R1507H.
Identifiers: ClinVar variation 1299838 (VCV001299838.10), dbSNP rs551187980, ClinGen allele CA9128370.

ClinVar aggregate classification (germline): Uncertain significance. Review status: criteria provided, multiple submitters, no conflicts (2 of 4 stars). 6 submissions from 6 submitters: Uncertain significance (4). 2 of the submissions do not count toward it. Last evaluated 2025-08-06.

Conditions:
Retinal dystrophy. Also called: Inherited retinal dystrophy. Identifiers: Orphanet 71862, MedGen C0854723, MeSH D058499, MONDO:0019118, HP:0000556.

Allele frequency attached by ClinVar (database versions not stated): TOPMed 0.00002; gnomAD 0.00003; gnomAD exomes 0.00003 and 0.00004; ExAC 0.00005.
gnomAD v4.1: 55 of 1,613,796 alleles (0.0034%); highest among the groups gnomAD compares: Middle Eastern, 0.016%; no homozygotes.

Submissions (6):

Labcorp Genetics (formerly Invitae), Labcorp
Classification: Uncertain significance. Last evaluated: 2025-08-06. Review status: criteria provided, single submitter. Criteria: Invitae Variant Classification Sherloc (09022015). Collection method: clinical testing. Allele origin: germline.
Comment: This sequence change replaces arginine, which is basic and polar, with histidine, which is basic and polar, at codon 1507 of the C3 protein (p.Arg1507His). This variant is present in population databases (rs551187980, gnomAD 0.04%). This missense change has been observed in individual(s) with C3-related conditions (PMID: 29888403, 33873197). ClinVar contains an entry for this variant (Variation ID: 1299838). Invitae Evidence Modeling of protein sequence and biophysical properties (such as structural, functional, and spatial information, amino acid conservation, physicochemical variation, residue mobility, and thermodynamic stability) indicates that this missense variant is not expected to disrupt C3 protein function with a negative predictive value of 80%. In summary, the available evidence is currently insufficient to determine the role of this variant in disease. Therefore, it has been classified as a Variant of Uncertain Significance.

Women's Health and Genetics/Laboratory Corporation of America, LabCorp
Classification: Uncertain significance. Last evaluated: 2025-02-26. Review status: criteria provided, single submitter. Criteria: LabCorp Variant Classification Summary - May 2015. Collection method: clinical testing. Allele origin: germline.
Comment: Variant summary: C3 c.4520G>A (p.Arg1507His) results in a non-conservative amino acid change in the encoded protein sequence. Four of five in-silico tools predict a benign effect of the variant on protein function. The variant allele was found at a frequency of 4.4e-05 in 251484 control chromosomes (gnomAD). This frequency is not significantly higher than estimated for a pathogenic variant in C3 causing Age-Related Macular Degeneration, allowing no conclusion about variant significance. c.4520G>A has been reported in the literature in individuals affected with Age-Related Macular Degeneration or Atypical Hemolytic Uremic Syndrome without strong evidence of causality (e.g. Geerlings_2018, Wu_2021). These reports do not provide unequivocal conclusions about association of the variant with Age-Related Macular Degeneration. To our knowledge, no experimental evidence demonstrating an impact on protein function has been reported. The following publications have been ascertained in the context of this evaluation (PMID: 29888403, 33873197). ClinVar contains an entry for this variant (Variation ID: 1299838). Based on the evidence outlined above, the variant was classified as uncertain significance.

Institute of Human Genetics, Univ. Regensburg, Univ. Regensburg
Classification: Uncertain significance for Retinal dystrophy. Last evaluated: 2022-01-01. Review status: criteria provided, single submitter. Criteria: ACMG Guidelines, 2015. Collection method: clinical testing. Allele origin: germline. Affected: yes.

Breakthrough Genomics
Classification: Uncertain significance. Review status: criteria provided, single submitter. Criteria: ACMG Guidelines, 2015. Collection method: not provided. Allele origin: germline. Inheritance: Autosomal recessive inheritance. Affected: yes.

Clinical Genetics DNA and cytogenetics Diagnostics Lab, Erasmus MC, Erasmus Medical Center
Classification: Likely benign. Review status: no assertion criteria provided. Collection method: clinical testing. Allele origin: germline. Affected: yes. Study: VKGL Data-share Consensus. Not counted in ClinVar's aggregate classification.

Genome Diagnostics Laboratory, University Medical Center Utrecht
Classification: Likely benign. Review status: no assertion criteria provided. Collection method: clinical testing. Allele origin: germline. Affected: yes. Study: VKGL Data-share Consensus. Not counted in ClinVar's aggregate classification.

Literature cited by the submitters: PubMed 29888403 (cited by 3 submitters); PubMed 33873197 (cited by Labcorp Genetics (formerly Invitae), Labcorp and Women's Health and Genetics/Laboratory Corporation of America, LabCorp).